The following is an entry in ClinVar:

NM_172201.2(KCNE2):c.25C>G (p.Gln9Glu)

Genes: KCNE2 (potassium voltage-gated channel subfamily E regulatory subunit 2; plus strand), LOC105372791 (uncharacterized LOC105372791; minus strand). Cytogenetic location: 21q22.11.
Variant type: single nucleotide variant.
Coding change: c.25C>G on transcript NM_172201.2 (MANE Select); coding-DNA position 25, C replaced by G.
Protein change: p.Gln9Glu; replaces glutamine 9 with glutamic acid.
Molecular consequence: missense variant.
Genome position (GRCh38, 1-based): chr21:34,370,503, C>G. VCF-style: chr21-34370503-C-G. GRCh37 (hg19) VCF-style: chr21-35742802-C-G.
Other names: p.Q9E:CAG>GAG; c.25C>G (LRG_291t1); short protein forms Q9E.
Identifiers: ClinVar variation 6052 (VCV000006052.35), dbSNP rs16991652, ClinGen allele CA117922.

ClinVar aggregate classification (germline): Benign/Likely benign. Review status: criteria provided, multiple submitters, no conflicts (2 of 4 stars). 15 submissions from 14 submitters: Benign (7); Likely benign (4). 4 of the submissions do not count toward it. Last evaluated 2026-01-31.

Conditions:
Cardiovascular phenotype. Identifiers: MedGen CN230736.
LONG QT SYNDROME 6, ACQUIRED, SUSCEPTIBILITY TO. Identifiers: MedGen C3150954, OMIM 613693.
Long QT syndrome 6 (LQT6). Identifiers: Orphanet 101016, Orphanet 768, MedGen C3150953, MONDO:0013370, OMIM 613693.
Atrial fibrillation, familial, 4 (ATFB4). Identifiers: MedGen C1862394, MONDO:0012677, OMIM 611493.

Allele frequency attached by ClinVar (database versions not stated): 1000 Genomes Project 0.00479; ExAC 0.00145; gnomAD 0.00431 and 0.00468; TOPMed 0.00485; 1000 Genomes Project 30x 0.00515.
gnomAD v4.1: 1,374 of 1,614,182 alleles (0.085%); highest among the groups gnomAD compares: African/African-American, 1.6%; 16 homozygotes.

Submissions (16):

Labcorp Genetics (formerly Invitae), Labcorp
Classification: Benign for Long QT syndrome 6. Last evaluated: 2026-01-31. Review status: criteria provided, single submitter. Criteria: Invitae Variant Classification Sherloc (09022015). Collection method: clinical testing. Allele origin: germline.

Molecular Diagnostic Laboratory for Inherited Cardiovascular Disease, Montreal Heart Institute
Classification: Likely benign. Last evaluated: 2025-04-09. Review status: criteria provided, single submitter. Criteria: ACMG Guidelines, 2015. Collection method: clinical testing. Allele origin: germline. Affected: no.

ARUP Laboratories, Molecular Genetics and Genomics, ARUP Laboratories
Classification: Likely benign. Last evaluated: 2024-12-12. Review status: criteria provided, single submitter. Criteria: ARUP Molecular Germline Variant Investigation Process 2024. Collection method: clinical testing. Allele origin: germline.

Mendelics
Classification: Benign for Long QT syndrome 6. Last evaluated: 2019-05-28. Review status: criteria provided, single submitter. Criteria: Mendelics Assertion Criteria 2017. Collection method: clinical testing. Allele origin: unknown.

GeneDx
Classification: Benign. Last evaluated: 2018-11-28. Review status: criteria provided, single submitter. Criteria: GeneDx Variant Classification Process June 2021. Collection method: clinical testing. Allele origin: germline. Affected: yes.
Comment: This variant is associated with the following publications: (PMID: 22581653, 14661677, 14760488, 20981092, 10219239, 17210839, 31043699, 32145446)

Women's Health and Genetics/Laboratory Corporation of America, LabCorp
Classification: Likely benign. Last evaluated: 2018-05-08. Review status: criteria provided, single submitter. Criteria: LabCorp Variant Classification Summary - May 2015. Collection method: clinical testing. Allele origin: germline.
Comment: Variant summary: KCNE2 c.25C>G (p.Gln9Glu) results in a conservative amino acid change in the encoded protein sequence. Five of five in-silico tools predict a benign effect of the variant on protein function. The variant allele was found at a frequency of 0.0015 in 281062 control chromosomes, predominantly at a frequency of 0.017 within the African subpopulation in the gnomAD database, including 5 homozygotes. The observed variant frequency within African control individuals in the gnomAD database is approximately 243 fold of the estimated maximal expected allele frequency for a pathogenic variant in KCNE2 causing Arrhythmia phenotype (7e-05), strongly suggesting that the variant is a benign polymorphism found primarily in populations of African origin. Functional studies demonstrated that this variant slightly impairs channel function (Lu_2003, Perlstein_2005) and increases the potency of clarithromycin as a hERG channel blocker (Abbott_1999). These reports do not provide unequivocal conclusions about association of the variant with Arrhythmia in healthy individuals but suggest that patients with cardiomyopathies carrying this variant may develop macrolide-induced arrhythmia. Two clinical diagnostic laboratories have submitted clinical-significance assessments for this variant to ClinVar after 2014 without evidence for independent evaluation and both laboratories classified the variant as benign. Based on the evidence outlined above, the variant was classified as likely benign until large scale case control studies will be available.

Illumina Laboratory Services, Illumina
Classification: Benign for Atrial fibrillation, familial, 4. Last evaluated: 2017-04-28. Review status: criteria provided, single submitter. Criteria: ICSL Variant Classification Criteria 13 December 2019. Collection method: clinical testing. Allele origin: germline.
Comment: This variant was observed as part of a predisposition screen in an ostensibly healthy population. A literature search was performed for the gene, cDNA change, and amino acid change (where applicable). Publications were found based on this search. The evidence from the literature, in combination with allele frequency data from public databases where available, was sufficient to rule this variant out of causing disease. Therefore, this variant is classified as benign.

Illumina Laboratory Services, Illumina
Classification: Benign for Long QT syndrome 6. Last evaluated: 2017-04-28. Review status: criteria provided, single submitter. Criteria: ICSL Variant Classification Criteria 13 December 2019. Collection method: clinical testing. Allele origin: germline.
Comment: the same text as in the submission from Illumina Laboratory Services, Illumina above.

Ambry Genetics
Classification: Benign for Cardiovascular phenotype. Last evaluated: 2015-07-28. Review status: criteria provided, single submitter. Criteria: Ambry Variant Classification Scheme 2023. Collection method: clinical testing. Allele origin: germline.

Mayo Clinic Laboratories, Mayo Clinic
Classification: Benign. Last evaluated: 2014-12-11. Review status: criteria provided, single submitter. Criteria: ACMG Guidelines, 2015. Collection method: clinical testing. Allele origin: germline. Observed: 4 variant alleles.

Breakthrough Genomics
Classification: Likely benign. Review status: criteria provided, single submitter. Criteria: ACMG Guidelines, 2015. Collection method: not provided. Allele origin: germline. Inheritance: Autosomal dominant inheritance. Affected: yes.

OMIM
Classification: risk factor for LONG QT SYNDROME 6, ACQUIRED, SUSCEPTIBILITY TO. Last evaluated: 2003-12-01. Review status: no assertion criteria provided. Collection method: literature only. Allele origin: germline. Not counted in ClinVar's aggregate classification.

Cardiovascular Biomedical Research Unit, Royal Brompton & Harefield NHS Foundation Trust
No classification provided. Review status: no classification provided. Collection method: literature only. Allele origin: germline. Not counted in ClinVar's aggregate classification.
Comment: This variant has been reported in the following publications (PMID:10219239;PMID:14661677;PMID:14760488;PMID:17210839;PMID:20981092).

Clinical Genetics, Academic Medical Center
Classification: Likely benign. Review status: no assertion criteria provided. Collection method: clinical testing. Allele origin: germline. Affected: yes. Study: VKGL Data-share Consensus. Not counted in ClinVar's aggregate classification.

Dr. Peter K. Rogan Lab, Western University
No classification provided (evidence only). Condition: Acute myeloid leukemia. Review status: no classification provided. Collection method: in vitro. Allele origin: not applicable. Functional consequence: retained intron. Not counted in ClinVar's aggregate classification.

Genome Diagnostics Laboratory, University Medical Center Utrecht
Classification: Likely benign. Review status: no assertion criteria provided. Collection method: clinical testing. Allele origin: germline. Affected: yes. Study: VKGL Data-share Consensus. Not counted in ClinVar's aggregate classification.

Literature cited by the submitters: PubMed 11101505 (cited by Women's Health and Genetics/Laboratory Corporation of America, LabCorp); PubMed 10219239 (cited by 4 submitters); PubMed 15368194 (cited by Women's Health and Genetics/Laboratory Corporation of America, LabCorp); PubMed 17210839 (cited by 3 submitters); PubMed 10973849 (cited by Women's Health and Genetics/Laboratory Corporation of America, LabCorp); PubMed 14661677 (cited by 4 submitters); PubMed 16000071 (cited by Women's Health and Genetics/Laboratory Corporation of America, LabCorp); PubMed 12923204 (cited by Women's Health and Genetics/Laboratory Corporation of America, LabCorp); PubMed 14760488 (cited by Women's Health and Genetics/Laboratory Corporation of America, LabCorp and Cardiovascular Biomedical Research Unit, Royal Brompton & Harefield NHS Foundation Trust); PubMed 11034315 (cited by Women's Health and Genetics/Laboratory Corporation of America, LabCorp); PubMed 23465283 (cited by Illumina Laboratory Services, Illumina); PubMed 20981092 (cited by Cardiovascular Biomedical Research Unit, Royal Brompton & Harefield NHS Foundation Trust); PubMed 22581653 (cited by Cardiovascular Biomedical Research Unit, Royal Brompton & Harefield NHS Foundation Trust).